The following is an entry in ClinVar:

NM_000465.4(BARD1):c.2268G>A (p.Trp756Ter)

Gene: BARD1 (BRCA1 associated RING domain 1; minus strand). Cytogenetic location: 2q35.
Variant type: single nucleotide variant.
Coding change: c.2268G>A on transcript NM_000465.4 (MANE Select); coding-DNA position 2268, G replaced by A.
Protein change: p.Trp756Ter; replaces tryptophan 756 with a stop codon.
Molecular consequence: nonsense. On other transcripts: non-coding transcript variant (3).
Genome position (GRCh38, 1-based): chr2:214,728,742, C>T on the plus strand (G>A on the coding strand, the complement: BARD1 is on the minus strand). VCF-style: chr2-214728742-C-T. GRCh37 (hg19) VCF-style: chr2-215593466-C-T.
Other names: c.2211G>A, p.Trp737Ter (NM_001282543.2); c.915G>A, p.Trp305Ter (NM_001282545.2); c.858G>A, p.Trp286Ter (NM_001282548.2); c.729G>A, p.Trp243Ter (NM_001282549.2); short protein forms W756*, W286*, W305*, W737*, W243*.
Identifiers: ClinVar variation 185366 (VCV000185366.10), dbSNP rs786202118, ClinGen allele CA191740.

ClinVar aggregate classification (germline): Pathogenic/Likely pathogenic. Review status: criteria provided, multiple submitters, no conflicts (2 of 4 stars). 4 submissions from 4 submitters: Pathogenic (1); Likely pathogenic (3). Last evaluated 2025-10-13.

Conditions:
BARD1-related cancer predisposition. Identifiers: MedGen CN377756, MONDO:0700267.
Hereditary cancer-predisposing syndrome. Also called: Hereditary neoplastic syndrome; Neoplastic Syndromes, Hereditary; Tumor predisposition; Hereditary Cancer Syndrome. Identifiers: Orphanet 140162, MedGen C0027672, MeSH D009386, MONDO:0015356.
Familial cancer of breast. Also called: BREAST CANCER, FAMILIAL; Hereditary breast cancer; hereditary breast carcinoma. Identifiers: Orphanet 227535, MedGen C0346153, MONDO:0016419, OMIM 114480. Disease mechanism: loss of function.

Submissions (4):

Institute for Genomic Medicine (IGM) Clinical Laboratory, Nationwide Children's Hospital
Classification: Likely pathogenic for BARD1-related cancer predisposition. Last evaluated: 2025-10-13. Review status: criteria provided, single submitter. Criteria: ACMG Guidelines, 2015. Collection method: clinical testing. Allele origin: germline.
Comment: This variant is predicted to result in loss of function through nonsense-mediated decay of the encoded transcript or premature truncation of the encoded protein in a gene in which loss of function is a known mechanism of disease (ACMG/AMP: PVS1_Strong; PMIDs:30925164, 31036035). This variant is absent from or present at an exceedingly low frequency in gnomAD, a large-scale control population database (ACMG/AMP: PM2).

Myriad Genetics, Inc.
Classification: Pathogenic for Familial cancer of breast. Last evaluated: 2024-08-20. Review status: criteria provided, single submitter. Criteria: Myriad Autosomal Dominant, Autosomal Recessive and X-Linked Classification Criteria (2023). Collection method: clinical testing. Allele origin: unknown.
Comment: This variant is considered pathogenic. This variant creates a termination codon and is predicted to result in premature protein truncation.

Ambry Genetics
Classification: Likely pathogenic for Hereditary cancer-predisposing syndrome. Last evaluated: 2023-09-20. Review status: criteria provided, single submitter. Criteria: Ambry Variant Classification Scheme 2023. Collection method: clinical testing. Allele origin: germline.
Comment: The p.W756* variant (also known as c.2268G>A), located in coding exon 11 of the BARD1 gene, results from a G to A substitution at nucleotide position 2268. This changes the amino acid from a tryptophan to a stop codon within coding exon 11. Premature stop codons are typically deleterious in nature; however, this stop codon occurs at the 3' terminus of BARD1, is not expected to trigger nonsense-mediated mRNA decay, and removes only the last 22 amino acids of the protein. However, premature stop codons are typically deleterious in nature and the impacted region is critical for protein function (Ambry internal data). Based on internal structural analysis, this alteration is expected to remove a significant portion of a phosphopeptide binding site (Birrane G et al. Biochemistry. 2007 Jul; 46(26):7706-12; Rodriguez M et al. J. Biol. Chem. 2003 Dec; 278(52):52914-8; Ambry internal data). This variant is considered to be rare based on population cohorts in the Genome Aggregation Database (gnomAD). Based on the majority of available evidence to date, this variant is likely to be pathogenic.

Labcorp Genetics (formerly Invitae), Labcorp
Classification: Likely pathogenic for Familial cancer of breast. Last evaluated: 2023-08-31. Review status: criteria provided, single submitter. Criteria: Invitae Variant Classification Sherloc (09022015). Collection method: clinical testing. Allele origin: germline.
Comment: This variant disrupts the C-terminal BRCT domain of BARD1 protein, which is required for chromosome stability and homology-directed repair (PMID: 17848578). A different variant (p.Val767fs) that lies downstream of this variant has been reported to affect BARD1 protein function (PMID: 30925164), this suggests that disruption of this region of the protein is causative of disease. In summary, the currently available evidence indicates that the variant is pathogenic, but additional data are needed to prove that conclusively. Therefore, this variant has been classified as Likely Pathogenic. ClinVar contains an entry for this variant (Variation ID: 185366). This variant has not been reported in the literature in individuals affected with BARD1-related conditions. This variant is not present in population databases (gnomAD no frequency). This sequence change creates a premature translational stop signal (p.Trp756*) in the BARD1 gene. While this is not anticipated to result in nonsense mediated decay, it is expected to disrupt the last 22 amino acid(s) of the BARD1 protein.

Literature cited by the submitters: PubMed 30925164 (cited by Institute for Genomic Medicine (IGM) Clinical Laboratory, Nationwide Children's Hospital and Labcorp Genetics (formerly Invitae), Labcorp); PubMed 31036035 (cited by Institute for Genomic Medicine (IGM) Clinical Laboratory, Nationwide Children's Hospital); PubMed 17848578 (cited by Labcorp Genetics (formerly Invitae), Labcorp).